The following is an entry in ClinVar:

NM_002519.3(NPAT):c.4051C>T (p.Pro1351Ser)

Gene: NPAT (nuclear protein, coactivator of histone transcription; minus strand). Cytogenetic location: 11q22.3.
Variant type: single nucleotide variant.
Coding change: c.4051C>T on transcript NM_002519.3 (MANE Select); coding-DNA position 4051, C replaced by T.
Protein change: p.Pro1351Ser; replaces proline 1351 with serine.
Molecular consequence: missense variant.
Genome position (GRCh38, 1-based): chr11:108,161,035, G>A on the plus strand (C>T on the coding strand, the complement: NPAT is on the minus strand). VCF-style: chr11-108161035-G-A. GRCh37 (hg19) VCF-style: chr11-108031762-G-A.
Other names: c.4072C>T, p.Pro1358Ser (NM_001321307.1); short protein forms P1351S, P1358S.
Identifiers: ClinVar variation 3222615 (VCV003222615.1), dbSNP rs2496693492, ClinGen allele CA382509478.

ClinVar aggregate classification (germline): Uncertain significance (1 of 4 stars; one submission).

Allele frequency attached by ClinVar (database versions not stated): gnomAD exomes below 0.00001.
gnomAD v4.1: 1 of 1,614,102 alleles (0.000062%); highest among the groups gnomAD compares: Non-Finnish European, 0.000085%; no homozygotes.

Submission:

Ambry Genetics
Classification: Uncertain significance. Last evaluated: 2023-12-14. Review status: criteria provided, single submitter. Criteria: Ambry Variant Classification Scheme 2023. Collection method: clinical testing. Allele origin: germline.
Comment: The p.P1351S variant (also known as c.4051C>T), located in coding exon 17 of the NPAT gene, results from a C to T substitution at nucleotide position 4051. The proline at codon 1351 is replaced by serine, an amino acid with similar properties. This amino acid position is conserved. In addition, the in silico prediction for this alteration is inconclusive. Since supporting evidence is limited at this time, the clinical significance of this alteration remains unclear.